The following is an entry in ClinVar:

NM_000363.5(TNNI3):c.303C>T (p.His101=)

Gene: TNNI3 (troponin I3, cardiac type; minus strand). Cytogenetic location: 19q13.42.
Variant type: single nucleotide variant.
Coding change: c.303C>T on transcript NM_000363.5 (MANE Select); coding-DNA position 303, C replaced by T.
Protein change: p.His101=; no amino-acid change (histidine 101 retained).
Molecular consequence: synonymous variant.
Genome position (GRCh38, 1-based): chr19:55,154,810, G>A on the plus strand (C>T on the coding strand, the complement: TNNI3 is on the minus strand). VCF-style: chr19-55154810-G-A. GRCh37 (hg19) VCF-style: chr19-55666178-G-A.
Identifiers: ClinVar variation 43373 (VCV000043373.35), dbSNP rs199539066, ClinGen allele CA021477.

ClinVar aggregate classification (germline): Likely benign. Review status: criteria provided, multiple submitters, no conflicts (2 of 4 stars). 7 submissions from 7 submitters: Likely benign (7). Last evaluated 2026-01-05.

Conditions:
Cardiovascular phenotype. Identifiers: MedGen CN230736.
Cardiomyopathy (CMYO). Also called: Cardiomyopathies. Identifiers: Orphanet 167848, MedGen C0878544, MONDO:0004994, HP:0001638. Inheritance: Various modes of inheritance.
Hypertrophic cardiomyopathy. Also called: HYPERTROPHIC MYOCARDIOPATHY. Identifiers: Orphanet 217569, MedGen C0007194, MeSH D002312, MONDO:0005045, HP:0001639.

Allele frequency attached by ClinVar (database versions not stated): ESP Exome Variant Server 0.00016; 1000 Genomes Project 0.00020; gnomAD 0.00004 and 0.00005; TOPMed 0.00004; gnomAD exomes 0.00005 and 0.00012; ExAC 0.00011; 1000 Genomes Project 30x 0.00016.
gnomAD v4.1: 79 of 1,614,174 alleles (0.0049%); highest among the groups gnomAD compares: South Asian, 0.0099%; no homozygotes.

Submissions (7):

Labcorp Genetics (formerly Invitae), Labcorp
Classification: Likely benign for Hypertrophic cardiomyopathy. Last evaluated: 2026-01-05. Review status: criteria provided, single submitter. Criteria: Invitae Variant Classification Sherloc (09022015). Collection method: clinical testing. Allele origin: germline.

Molecular Diagnostic Laboratory for Inherited Cardiovascular Disease, Montreal Heart Institute
Classification: Likely benign. Last evaluated: 2025-07-24. Review status: criteria provided, single submitter. Criteria: ACMG Guidelines, 2015. Collection method: clinical testing. Allele origin: germline. Affected: no.
Comment: BP7

All of Us Research Program, National Institutes of Health
Classification: Likely benign for Hypertrophic cardiomyopathy. Last evaluated: 2023-12-13. Review status: criteria provided, single submitter. Criteria: ACMG Guidelines, 2015. Collection method: clinical testing. Allele origin: germline. Inheritance: Autosomal dominant inheritance. Observed: 24 variant alleles, 24 heterozygotes.
Comment: This study involves interpretation of variants in research participants for the purpose of population health screening. Participant phenotype was not available at the time of variant classification. Additional details can be found in publication PMID: 35346344, PMCID: PMC8962531

Color Diagnostics, LLC DBA Color Health
Classification: Likely benign for Cardiomyopathy. Last evaluated: 2018-11-21. Review status: criteria provided, single submitter. Criteria: ACMG Guidelines, 2015. Collection method: clinical testing. Allele origin: germline.

GeneDx
Classification: Likely benign. Last evaluated: 2018-09-04. Review status: criteria provided, single submitter. Criteria: GeneDx Variant Classification Process June 2021. Collection method: clinical testing. Allele origin: germline. Affected: yes.

Ambry Genetics
Classification: Likely benign for Cardiovascular phenotype. Last evaluated: 2017-03-14. Review status: criteria provided, single submitter. Criteria: Ambry Variant Classification Scheme 2023. Collection method: clinical testing. Allele origin: germline.

Laboratory for Molecular Medicine, Mass General Brigham Personalized Medicine
Classification: Likely benign. Last evaluated: 2011-04-22. Review status: criteria provided, single submitter. Criteria: LMM Criteria. Collection method: clinical testing. Allele origin: germline. Observed: 1 variant allele.